The following is an entry in ClinVar:

ClinVar aggregate classification (germline): Uncertain significance. Review status: criteria provided, multiple submitters, no conflicts (2 of 4 stars). 2 submissions from 2 submitters: Uncertain significance (2). Last evaluated 2026-09-17.

Conditions:
CFI-related disorder. Also called: CFI-related condition; CFI-related disorders. Identifiers: MedGen CN239325.

gnomAD v4.1: 4 of 1,614,180 alleles (0.00025%); highest among the groups gnomAD compares: Non-Finnish European, 0.00034%; no homozygotes.

Submissions (2):

Genomenon, Inc
Classification: Uncertain significance for CFI-related disorder. Last evaluated: 2026-09-17. Review status: criteria provided, single submitter. Criteria: Genomenon Sequence Variant Interpretation Standards - Updated. Collection method: curation. Allele origin: germline. Affected: no.
Comment: CFI p.Trp51Ser (c.152G>C) is a missense variant that changes the amino acid at codon 51 from Tryptophan to Serine. This variant has been reported in the published literature (PMID:38852887). It is absent or not present at a significant frequency in gnomAD. In conclusion, we classify CFI p.Trp51Ser (c.152G>C) as a variant of uncertain significance.

Labcorp Genetics (formerly Invitae), Labcorp
Classification: Uncertain significance. Last evaluated: 2025-12-06. Review status: criteria provided, single submitter. Criteria: Invitae Variant Classification Sherloc (09022015). Collection method: clinical testing. Allele origin: germline.
Comment: This sequence change replaces tryptophan, which is neutral and slightly polar, with serine, which is neutral and polar, at codon 51 of the CFI protein (p.Trp51Ser). This variant is not present in population databases (gnomAD no frequency). This missense change has been observed in individual(s) with macular degeneration (PMID: 38852887). ClinVar contains an entry for this variant (Variation ID: 4280567). Invitae Evidence Modeling of protein sequence and biophysical properties (such as structural, functional, and spatial information, amino acid conservation, physicochemical variation, residue mobility, and thermodynamic stability) indicates that this missense variant is expected to disrupt CFI protein function with a positive predictive value of 80%. Studies have shown that this missense change alters CFI gene expression (PMID: 38852887). In summary, the available evidence is currently insufficient to determine the role of this variant in disease. Therefore, it has been classified as a Variant of Uncertain Significance.

Literature cited by the submitters: PubMed 38852887 (cited by Genomenon, Inc and Labcorp Genetics (formerly Invitae), Labcorp).

NM_000204.5(CFI):c.152G>C (p.Trp51Ser)

Gene: CFI (complement factor I; minus strand). Cytogenetic location: 4q25.
Variant type: single nucleotide variant.
Coding change: c.152G>C on transcript NM_000204.5 (MANE Select); coding-DNA position 152, G replaced by C.
Protein change: p.Trp51Ser; replaces tryptophan 51 with serine.
Molecular consequence: missense variant. On other transcripts: non-coding transcript variant (3), intron variant (1).
Genome position (GRCh38, 1-based): chr4:109,766,730, C>G on the plus strand (G>C on the coding strand, the complement: CFI is on the minus strand). VCF-style: chr4-109766730-C-G. GRCh37 (hg19) VCF-style: chr4-110687886-C-G.
Other names: c.152G>C, p.Trp51Ser (NM_001318057.2, NM_001331035.2, NM_001375278.1 and 10 more transcripts); c.-127-5038G>C (NM_001375284.1); short protein forms W51S.
Identifiers: ClinVar variation 4280567 (VCV004280567.3).